The following is an entry in ClinVar:

NM_001267550.2(TTN):c.45598G>A (p.Ala15200Thr)

Genes: TTN (titin; minus strand), LOC126806427 (BRD4-independent group 4 enhancer GRCh37_chr2:179485777-179486976; plus strand). Cytogenetic location: 2q31.2.
Variant type: single nucleotide variant.
Coding change: c.45598G>A on transcript NM_001267550.2 (MANE Select); coding-DNA position 45598, G replaced by A.
Protein change: p.Ala15200Thr; replaces alanine 15200 with threonine.
Molecular consequence: missense variant.
Genome position (GRCh38, 1-based): chr2:178,621,120, C>T on the plus strand (G>A on the coding strand, the complement: TTN is on the minus strand). VCF-style: chr2-178621120-C-T. GRCh37 (hg19) VCF-style: chr2-179485847-C-T.
Other names: c.40675G>A, p.Ala13559Thr (NM_001256850.1); c.18403G>A, p.Ala6135Thr (NM_003319.4); c.37894G>A, p.Ala12632Thr (NM_133378.4); c.18778G>A, p.Ala6260Thr (NM_133432.3); c.18979G>A, p.Ala6327Thr (NM_133437.4); short protein forms A15200T, A6135T, A12632T, A13559T, A6327T, A6260T.
Identifiers: ClinVar variation 519118 (VCV000519118.10), dbSNP rs752318420, ClinGen allele CA1995411.

ClinVar aggregate classification (germline): Conflicting classifications of pathogenicity. Review status: criteria provided, conflicting classifications (1 of 4 stars). 4 submissions from 4 submitters: Uncertain significance (3); Likely benign (1). Last evaluated 2026-05-27.

Conditions:
TTN-related disorder. Also called: TTN-related condition; TTN-related disease; TTN-related disorders.
Cardiovascular phenotype. Identifiers: MedGen CN230736.

Allele frequency attached by ClinVar (database versions not stated): gnomAD 0.00001; TOPMed 0.00002; gnomAD exomes 0.00004; ExAC 0.00005.
gnomAD v4.1: 14 of 1,612,226 alleles (0.00087%); highest among the groups gnomAD compares: Admixed American, 0.022%; no homozygotes.

Submissions (4):

PreventionGenetics, part of Exact Sciences
Classification: Uncertain significance for TTN-related condition. Last evaluated: 2026-05-27. Review status: criteria provided, single submitter. Criteria: ACMG Guidelines, 2015. Collection method: clinical testing. Allele origin: germline.
Comment: The TTN c.45598G>A variant is predicted to result in the amino acid substitution p.Ala15200Thr. To our knowledge, this variant has not been reported in the literature. This variant is reported in 0.026% of alleles in individuals of Latino descent in gnomAD. At this time, the clinical significance of this variant is uncertain due to the absence of conclusive functional and genetic evidence.

Revvity Omics, Revvity
Classification: Uncertain significance. Last evaluated: 2021-09-15. Review status: criteria provided, single submitter. Criteria: ACMG Guidelines, 2015. Collection method: clinical testing. Allele origin: germline.

GeneDx
Classification: Likely benign. Last evaluated: 2018-03-16. Review status: criteria provided, single submitter. Criteria: GeneDx Variant Classification (06012015). Collection method: clinical testing. Allele origin: germline. Affected: yes.
Comment: This variant is considered likely benign or benign based on one or more of the following criteria: it is a conservative change, it occurs at a poorly conserved position in the protein, it is predicted to be benign by multiple in silico algorithms, and/or has population frequency not consistent with disease.

Ambry Genetics
Classification: Uncertain significance for Cardiovascular phenotype. Last evaluated: 2016-08-18. Review status: criteria provided, single submitter. Criteria: Ambry Variant Classification Scheme 2023. Collection method: clinical testing. Allele origin: germline.
Comment: The p.A6135T variant (also known as c.18403G>A), located in coding exon 73 of the TTN gene, results from a G to A substitution at nucleotide position 18403. The alanine at codon 6135 is replaced by threonine, an amino acid with similar properties. This variant was not reported in population based cohorts in the following databases: Database of Single Nucleotide Polymorphisms (dbSNP), NHLBI Exome Sequencing Project (ESP), and 1000 Genomes Project. In the ESP, this variant was not observed in 6062 samples (12124 alleles) with coverage at this position. Based on data from ExAC, the A allele has an overall frequency of <0.01% (6/104694). This amino acid position is highly conserved in available vertebrate species. In addition, this alteration is predicted to be tolerated by in silico analysis. Since supporting evidence is limited at this time, the clinical significance of this variant remains unclear.